The following is an entry in ClinVar:

ClinVar aggregate classification (germline): Pathogenic (1 of 4 stars; one submission).

Conditions:
Infantile hypotonia-oculomotor anomalies-hyperkinetic movements-developmental delay syndrome. Also called: BAKER-GORDON SYNDROME; NEURODEVELOPMENTAL DISORDER WITH INVOLUNTARY MOVEMENT AND ABNORMAL ELECTROENCEPHALOGRAM. Identifiers: Orphanet 522077, MedGen C4748715, MONDO:0033864, OMIM 618218.

Submission:

3billion
Classification: Pathogenic for Infantile hypotonia-oculomotor anomalies-hyperkinetic movements-developmental delay syndrome. Last evaluated: 2026-01-20. Review status: criteria provided, single submitter. Criteria: ACMG Guidelines, 2015. Collection method: clinical testing. Allele origin: germline. Affected: yes.
Comment: The variant is not observed in the gnomAD v4.1.0 dataset. Predicted Consequence/Location: Missense variant. Missense changes are a common disease-causing mechanism. In silico tool predictions suggest damaging effect of the variant on gene or gene product [REVEL: 0.84 (>=0.6, sensitivity 0.68 and specificity 0.92); 3Cnet: 0.94 (> 0.75, sensitivity 0.96 and precision 0.92)]. The same nucleotide change resulting in the same amino acid change has been previously reported to be associated with SYT1-related disorder (PMID: 39049490).The variant has been previously reported as de novo in a similarly affected individual (PMID: 39049490). A different missense change at the same codon (p.Asp310Asn) has been reported as pathogenic/likely pathogenic with strong evidence (ClinVar ID: VCV001297049). Therefore, this variant is classified as Pathogenic according to the recommendation of ACMG/AMP guideline.

Literature cited by the submitters: PubMed 39049490.

NM_005639.3(SYT1):c.930T>A (p.Asp310Glu)

Gene: SYT1 (synaptotagmin 1; plus strand). Cytogenetic location: 12q21.2.
Variant type: single nucleotide variant.
Coding change: c.930T>A on transcript NM_005639.3 (MANE Select); coding-DNA position 930, T replaced by A.
Protein change: p.Asp310Glu; replaces aspartic acid 310 with glutamic acid.
Molecular consequence: missense variant.
Genome position (GRCh38, 1-based): chr12:79,444,074, T>A. VCF-style: chr12-79444074-T-A. GRCh37 (hg19) VCF-style: chr12-79837854-T-A.
Other names: c.930T>A, p.Asp310Glu (NM_001135805.2, NM_001135806.2, NM_001415938.1 and 2 more transcripts); c.921T>A, p.Asp307Glu (NM_001291901.2, NM_001415941.1, NM_001415942.1 and 1 more transcripts); short protein forms D307E, D310E.
Identifiers: ClinVar variation 4856066 (VCV004856066.1).